The following is an entry in ClinVar:

ClinVar aggregate classification (germline): Uncertain significance. Review status: criteria provided, multiple submitters, no conflicts (2 of 4 stars). 2 submissions from 2 submitters: Uncertain significance (2). Last evaluated 2022-08-18.

Conditions:
Inborn genetic diseases. Identifiers: MedGen C0950123, MeSH D030342.

Allele frequency attached by ClinVar (database versions not stated): TOPMed below 0.00001; ExAC 0.00001; gnomAD 0.00001; 1000 Genomes Project 30x 0.00016; 1000 Genomes Project 0.00020.
gnomAD v4.1: 1 of 1,614,174 alleles (0.000062%); highest among the groups gnomAD compares: African/African-American, 0.0013%; no homozygotes.

Submissions (2):

Labcorp Genetics (formerly Invitae), Labcorp
Classification: Uncertain significance. Last evaluated: 2022-08-18. Review status: criteria provided, single submitter. Criteria: Invitae Variant Classification Sherloc (09022015). Collection method: clinical testing. Allele origin: germline.
Comment: In summary, the available evidence is currently insufficient to determine the role of this variant in disease. Therefore, it has been classified as a Variant of Uncertain Significance. Algorithms developed to predict the effect of missense changes on protein structure and function (SIFT, PolyPhen-2, Align-GVGD) all suggest that this variant is likely to be tolerated. This variant has not been reported in the literature in individuals affected with MDH2-related conditions. This variant is present in population databases (rs202033419, gnomAD 0.007%). This sequence change replaces valine, which is neutral and non-polar, with leucine, which is neutral and non-polar, at codon 154 of the MDH2 protein (p.Val154Leu).

Ambry Genetics
Classification: Uncertain significance for Inborn genetic diseases. Last evaluated: 2021-08-04. Review status: criteria provided, single submitter. Criteria: Ambry Variant Classification Scheme 2023. Collection method: clinical testing. Allele origin: germline.
Comment: The p.V154L variant (also known as c.460G>C), located in coding exon 5 of the MDH2 gene, results from a G to C substitution at nucleotide position 460. The valine at codon 154 is replaced by leucine, an amino acid with highly similar properties. This amino acid position is conserved. In addition, the in silico prediction for this alteration is inconclusive. Since supporting evidence is limited at this time, the clinical significance of this alteration remains unclear.

NM_005918.4(MDH2):c.460G>C (p.Val154Leu)

Gene: MDH2 (malate dehydrogenase 2; plus strand). Cytogenetic location: 7q11.23.
Variant type: single nucleotide variant.
Coding change: c.460G>C on transcript NM_005918.4 (MANE Select); coding-DNA position 460, G replaced by C.
Protein change: p.Val154Leu; replaces valine 154 with leucine.
Molecular consequence: missense variant. On other transcripts: intron variant (1).
Genome position (GRCh38, 1-based): chr7:76,060,403, G>C. VCF-style: chr7-76060403-G-C. GRCh37 (hg19) VCF-style: chr7-75689721-G-C.
Other names: c.139G>C, p.Val47Leu (NM_001282404.2); c.429+2325G>C (NM_001282403.2); short protein forms V47L, V154L.
Identifiers: ClinVar variation 1741881 (VCV001741881.7), dbSNP rs202033419, ClinGen allele CA4305549.